The following is an entry in ClinVar:

ClinVar aggregate classification (germline): Uncertain significance (1 of 4 stars; one submission).

Conditions:
Benign neonatal seizures. Also called: Benign familial neonatal seizures; Benign neonatal familial convulsions; Benign familial neonatal epilepsy; Convulsions benign familial neonatal dominant form; Autosomal dominant form of benign neonatal seizures. Identifiers: Orphanet 1949, MedGen C0220669, MONDO:0016027.

Submission:

Labcorp Genetics (formerly Invitae), Labcorp
Classification: Uncertain significance for Benign neonatal seizures. Last evaluated: 2025-10-02. Review status: criteria provided, single submitter. Criteria: Invitae Variant Classification Sherloc (09022015). Collection method: clinical testing. Allele origin: germline.
Comment: This sequence change replaces tyrosine, which is neutral and polar, with cysteine, which is neutral and slightly polar, at codon 604 of the KCNQ3 protein (p.Tyr604Cys). This variant is not present in population databases (gnomAD no frequency). This variant has not been reported in the literature in individuals affected with KCNQ3-related conditions. ClinVar contains an entry for this variant (Variation ID: 2954642). Invitae Evidence Modeling of protein sequence and biophysical properties (such as structural, functional, and spatial information, amino acid conservation, physicochemical variation, residue mobility, and thermodynamic stability) indicates that this missense variant is not expected to disrupt KCNQ3 protein function with a negative predictive value of 95%. In summary, the available evidence is currently insufficient to determine the role of this variant in disease. Therefore, it has been classified as a Variant of Uncertain Significance.

NM_004519.4(KCNQ3):c.1811A>G (p.Tyr604Cys)

Gene: KCNQ3 (potassium voltage-gated channel subfamily Q member 3; minus strand). Cytogenetic location: 8q24.22.
Variant type: single nucleotide variant.
Coding change: c.1811A>G on transcript NM_004519.4 (MANE Select); coding-DNA position 1811, A replaced by G.
Protein change: p.Tyr604Cys; replaces tyrosine 604 with cysteine.
Molecular consequence: missense variant.
Genome position (GRCh38, 1-based): chr8:132,132,253, T>C on the plus strand (A>G on the coding strand, the complement: KCNQ3 is on the minus strand). VCF-style: chr8-132132253-T-C. GRCh37 (hg19) VCF-style: chr8-133144500-T-C.
Other names: c.1451A>G, p.Tyr484Cys (NM_001204824.2); short protein forms Y484C, Y604C.
Identifiers: ClinVar variation 2954642 (VCV002954642.3), dbSNP rs1159864473, ClinGen allele CA372217920.